The following is an entry in ClinVar:

ClinVar aggregate classification (germline): Uncertain significance (1 of 4 stars; one submission).

Allele frequency attached by ClinVar (database versions not stated): gnomAD 0.00001.
gnomAD v4.1: 1 of 1,614,050 alleles (0.000062%); highest among the groups gnomAD compares: East Asian, 0.0022%; no homozygotes.

Submission:

Labcorp Genetics (formerly Invitae), Labcorp
Classification: Uncertain significance. Last evaluated: 2023-02-18. Review status: criteria provided, single submitter. Criteria: Invitae Variant Classification Sherloc (09022015). Collection method: clinical testing. Allele origin: germline.
Comment: In summary, the available evidence is currently insufficient to determine the role of this variant in disease. Therefore, it has been classified as a Variant of Uncertain Significance. Advanced modeling of protein sequence and biophysical properties (such as structural, functional, and spatial information, amino acid conservation, physicochemical variation, residue mobility, and thermodynamic stability) performed at Invitae indicates that this missense variant is not expected to disrupt PRPF8 protein function. This missense change has been observed in individual(s) with clinical features of PRPF8-related conditions (PMID: 34148116). This variant is present in population databases (no rsID available, gnomAD 0.06%). This sequence change replaces histidine, which is basic and polar, with glutamine, which is neutral and polar, at codon 2154 of the PRPF8 protein (p.His2154Gln).

Literature cited by the submitters: PubMed 34148116.

NM_006445.4(PRPF8):c.6462C>A (p.His2154Gln)

Gene: PRPF8 (pre-mRNA processing factor 8; minus strand). Cytogenetic location: 17p13.3.
Variant type: single nucleotide variant.
Coding change: c.6462C>A on transcript NM_006445.4 (MANE Select); coding-DNA position 6462, C replaced by A.
Protein change: p.His2154Gln; replaces histidine 2154 with glutamine.
Molecular consequence: missense variant.
Genome position (GRCh38, 1-based): chr17:1,651,696, G>T on the plus strand (C>A on the coding strand, the complement: PRPF8 is on the minus strand). VCF-style: chr17-1651696-G-T. GRCh37 (hg19) VCF-style: chr17-1554990-G-T.
Other names: short protein forms H2154Q.
Identifiers: ClinVar variation 2801398 (VCV002801398.3), dbSNP rs1472301974, ClinGen allele CA397565091.